The following is an entry in ClinVar:

NM_000142.5(FGFR3):c.1724T>C (p.Leu575Pro)

Gene: FGFR3 (fibroblast growth factor receptor 3; plus strand). Cytogenetic location: 4p16.3.
Variant type: single nucleotide variant.
Coding change: c.1724T>C on transcript NM_000142.5 (MANE Select); coding-DNA position 1724, T replaced by C.
Protein change: p.Leu575Pro; replaces leucine 575 with proline.
Molecular consequence: missense variant. On other transcripts: non-coding transcript variant (1).
Genome position (GRCh38, 1-based): chr4:1,805,828, T>C. VCF-style: chr4-1805828-T-C. GRCh37 (hg19) VCF-style: chr4-1807555-T-C.
Other names: c.1388T>C, p.Leu463Pro (NM_022965.4); c.1730T>C, p.Leu577Pro (NM_001163213.2); c.1727T>C, p.Leu576Pro (NM_001354809.2, NM_001354810.2); short protein forms L575P, L576P, L463P, L577P.
Identifiers: ClinVar variation 2886130 (VCV002886130.3), dbSNP rs746824967, ClinGen allele CA2810555.

ClinVar aggregate classification (germline): Uncertain significance (1 of 4 stars; one submission).

Allele frequency attached by ClinVar (database versions not stated): gnomAD exomes below 0.00001; TOPMed below 0.00001; ExAC 0.00001.
gnomAD v4.1: 5 of 1,612,480 alleles (0.00031%); highest among the groups gnomAD compares: East Asian, 0.011%; no homozygotes.

Submission:

Labcorp Genetics (formerly Invitae), Labcorp
Classification: Uncertain significance. Last evaluated: 2023-01-13. Review status: criteria provided, single submitter. Criteria: Invitae Variant Classification Sherloc (09022015). Collection method: clinical testing. Allele origin: germline.
Comment: In summary, the available evidence is currently insufficient to determine the role of this variant in disease. Therefore, it has been classified as a Variant of Uncertain Significance. Advanced modeling of protein sequence and biophysical properties (such as structural, functional, and spatial information, amino acid conservation, physicochemical variation, residue mobility, and thermodynamic stability) has been performed at Invitae for this missense variant, however the output from this modeling did not meet the statistical confidence thresholds required to predict the impact of this variant on FGFR3 protein function. This variant has not been reported in the literature in individuals affected with FGFR3-related conditions. This variant is present in population databases (rs746824967, gnomAD 0.006%). This sequence change replaces leucine, which is neutral and non-polar, with proline, which is neutral and non-polar, at codon 575 of the FGFR3 protein (p.Leu575Pro).